The following is an entry in ClinVar:

NM_004655.4(AXIN2):c.671A>G (p.Tyr224Cys)

Gene: AXIN2 (axin 2; minus strand). Cytogenetic location: 17q24.1.
Variant type: single nucleotide variant.
Coding change: c.671A>G on transcript NM_004655.4 (MANE Select); coding-DNA position 671, A replaced by G.
Protein change: p.Tyr224Cys; replaces tyrosine 224 with cysteine.
Molecular consequence: missense variant.
Genome position (GRCh38, 1-based): chr17:65,557,950, T>C on the plus strand (A>G on the coding strand, the complement: AXIN2 is on the minus strand). VCF-style: chr17-65557950-T-C. GRCh37 (hg19) VCF-style: chr17-63554068-T-C.
Other names: c.671A>G (LRG_296t1); c.671A>G, p.Tyr224Cys (NM_001363813.1); short protein forms Y224C.
Identifiers: ClinVar variation 464637 (VCV000464637.15), dbSNP rs1166843937, ClinGen allele CA400680525.

ClinVar aggregate classification (germline): Uncertain significance. Review status: criteria provided, multiple submitters, no conflicts (2 of 4 stars). 3 submissions from 3 submitters: Uncertain significance (3). Last evaluated 2025-10-30.

Conditions:
Hereditary cancer-predisposing syndrome. Also called: Neoplastic Syndromes, Hereditary; Tumor predisposition; Hereditary Cancer Syndrome; Hereditary neoplastic syndrome. Identifiers: Orphanet 140162, MedGen C0027672, MeSH D009386, MONDO:0015356.
Colorectal cancer. Also called: Malignant Colorectal Neoplasm; Colorectal cancer, somatic. Identifiers: MedGen C0346629, MONDO:0005575, OMIM 114500.
Oligodontia-cancer predisposition syndrome. Also called: TOOTH AGENESIS-COLORECTAL CANCER SYNDROME. Identifiers: Orphanet 300576, MedGen C1837750, MONDO:0012075, OMIM 608615. Disease mechanism: loss of function.

Allele frequency attached by ClinVar (database versions not stated): gnomAD exomes below 0.00001 and 0.00001; gnomAD 0.00001; TOPMed 0.00001.
gnomAD v4.1: 20 of 1,614,070 alleles (0.0012%); highest among the groups gnomAD compares: Non-Finnish European, 0.0015%; no homozygotes.

Submissions (3):

Labcorp Genetics (formerly Invitae), Labcorp
Classification: Uncertain significance for Oligodontia-cancer predisposition syndrome. Last evaluated: 2025-10-30. Review status: criteria provided, single submitter. Criteria: Invitae Variant Classification Sherloc (09022015). Collection method: clinical testing. Allele origin: germline.
Comment: This sequence change replaces tyrosine, which is neutral and polar, with cysteine, which is neutral and slightly polar, at codon 224 of the AXIN2 protein (p.Tyr224Cys). This variant is present in population databases (no rsID available, gnomAD 0.002%). This variant has not been reported in the literature in individuals affected with AXIN2-related conditions. ClinVar contains an entry for this variant (Variation ID: 464637). Invitae Evidence Modeling of protein sequence and biophysical properties (such as structural, functional, and spatial information, amino acid conservation, physicochemical variation, residue mobility, and thermodynamic stability) indicates that this missense variant is expected to disrupt AXIN2 protein function with a positive predictive value of 80%. In summary, the available evidence is currently insufficient to determine the role of this variant in disease. Therefore, it has been classified as a Variant of Uncertain Significance.

Ambry Genetics
Classification: Uncertain significance for Hereditary cancer-predisposing syndrome. Last evaluated: 2025-02-08. Review status: criteria provided, single submitter. Criteria: Ambry Variant Classification Scheme 2023. Collection method: clinical testing. Allele origin: germline.
Comment: The p.Y224C variant (also known as c.671A>G), located in coding exon 1 of the AXIN2 gene, results from an A to G substitution at nucleotide position 671. The tyrosine at codon 224 is replaced by cysteine, an amino acid with highly dissimilar properties. This amino acid position is highly conserved in available vertebrate species. In addition, this alteration is predicted to be deleterious by in silico analysis. Since supporting evidence is limited at this time, the clinical significance of this alteration remains unclear.

Baylor Genetics
Classification: Uncertain significance for Colorectal cancer. Last evaluated: 2023-07-12. Review status: criteria provided, single submitter. Criteria: ACMG Guidelines, 2015. Collection method: clinical testing. Allele origin: unknown.